The following is an entry in ClinVar:

ClinVar aggregate classification (germline): Uncertain significance (1 of 4 stars; one submission).

Submission:

Women's Health and Genetics/Laboratory Corporation of America, LabCorp
Classification: Uncertain significance. Last evaluated: 2024-07-08. Review status: criteria provided, single submitter. Criteria: LabCorp Variant Classification Summary - May 2015. Collection method: clinical testing. Allele origin: germline.
Comment: Variant summary: XPO1 c.1434_1435delGA (p.Lys479AlafsX26) results in a premature termination codon, predicted to cause a truncation of the encoded protein or absence of the protein due to nonsense mediated decay, however the molecular mechanism of disease attributed to XPO1 is currently unknown. The variant was absent in 250954 control chromosomes. The available data on variant occurrences in the general population are insufficient to allow any conclusion about variant significance. To our knowledge, no occurrence of c.1434_1435delGA in individuals affected with XPO1-Related Disorders and no experimental evidence demonstrating its impact on protein function have been reported. No submitters have cited clinical-significance assessments for this variant to ClinVar. Based on the evidence outlined above, the variant was classified as uncertain significance.

NM_003400.4(XPO1):c.1434_1435del (p.Lys479fs)

Gene: XPO1 (exportin 1; minus strand). Cytogenetic location: 2p15.
Variant type: Microsatellite.
Coding change: c.1434_1435del on transcript NM_003400.4 (MANE Select); coding-DNA positions 1434 to 1435, 2 bases deleted (GA; older notation c.1434_1435delGA).
Protein change: p.Lys479fs; shifts the reading frame from lysine 479.
Molecular consequence: frameshift variant.
Genome position (GRCh38, 1-based): chr2:61,492,698-61,492,699, TC deleted on the plus strand (GA on the coding strand, the reverse complement: XPO1 is on the minus strand); deleting any 2 consecutive bases within chr2:61,492,698-61,492,702 gives the same sequence; the c. name uses the placement nearest the transcript's 3' end. VCF-style (leftmost placement, unchanged base first): chr2-61492697-TTC-T. GRCh37 (hg19) VCF-style: chr2-61719832-TTC-T.
Other names: c.1434_1435del, p.Lys479fs (NM_001410799.1); c.1434_1435delGA (NM_003400.4); short protein forms K479fs.
Identifiers: ClinVar variation 3339093 (VCV003339093.1).